The following is an entry in ClinVar:

ClinVar aggregate classification (germline): Uncertain significance (1 of 4 stars; one submission).

Submission:

Ambry Genetics
Classification: Uncertain significance. Last evaluated: 2024-11-28. Review status: criteria provided, single submitter. Criteria: Ambry Variant Classification Scheme 2023. Collection method: clinical testing. Allele origin: germline.
Comment: The p.Q1735H variant (also known as c.5205G>T), located in coding exon 22 of the WNK2 gene, results from a G to T substitution at nucleotide position 5205. The glutamine at codon 1735 is replaced by histidine, an amino acid with highly similar properties. This amino acid position is conserved. In addition, this alteration is predicted to be tolerated by in silico analysis. Based on the available evidence, the clinical significance of this variant remains unclear.

NM_006648.4(WNK2):c.5205G>T (p.Gln1735His)

Gene: WNK2 (WNK lysine deficient protein kinase 2; plus strand). Cytogenetic location: 9q22.31.
Variant type: single nucleotide variant.
Coding change: c.5205G>T on transcript NM_006648.4 (MANE Select); coding-DNA position 5205, G replaced by T.
Protein change: p.Gln1735His; replaces glutamine 1735 with histidine.
Molecular consequence: missense variant.
Genome position (GRCh38, 1-based): chr9:93,292,670, G>T. VCF-style: chr9-93292670-G-T. GRCh37 (hg19) VCF-style: chr9-96054952-G-T.
Other names: c.5316G>T, p.Gln1772His (NM_001282394.3); short protein forms Q1735H, Q1772H.
Identifiers: ClinVar variation 3333153 (VCV003333153.2).